The following is an entry in ClinVar:

ClinVar aggregate classification (germline): Uncertain significance. Review status: criteria provided, multiple submitters, no conflicts (2 of 4 stars). 2 submissions from 2 submitters: Uncertain significance (2). Last evaluated 2024-03-03.

Conditions:
Hereditary cancer-predisposing syndrome. Also called: Hereditary Cancer Syndrome; Neoplastic Syndromes, Hereditary; Tumor predisposition; Hereditary neoplastic syndrome. Identifiers: Orphanet 140162, MedGen C0027672, MeSH D009386, MONDO:0015356.
Ataxia-telangiectasia syndrome (AT). Also called: Cerebello-oculocutaneous telangiectasia; Immunodeficiency with ataxia telangiectasia; Ataxia-telangiectasia, complementation group E; Ataxia-telangiectasia, complementation group D; AT, COMPLEMENTATION GROUP C; ATAXIA-TELANGIECTASIA, COMPLEMENTATION GROUP A. Identifiers: Orphanet 100, MedGen C0004135, MONDO:0008840, OMIM 208900.

Submissions (2):

Ambry Genetics
Classification: Uncertain significance for Hereditary cancer-predisposing syndrome. Last evaluated: 2024-03-03. Review status: criteria provided, single submitter. Criteria: Ambry Variant Classification Scheme 2023. Collection method: clinical testing. Allele origin: germline.
Comment: The p.S2812A variant (also known as c.8434T>G), located in coding exon 57 of the ATM gene, results from a T to G substitution at nucleotide position 8434. The serine at codon 2812 is replaced by alanine, an amino acid with similar properties. This amino acid position is conserved. In addition, this alteration is predicted to be tolerated by in silico analysis. Based on the available evidence, the clinical significance of this alteration remains unclear.

Labcorp Genetics (formerly Invitae), Labcorp
Classification: Uncertain significance for Ataxia-telangiectasia syndrome. Last evaluated: 2023-09-15. Review status: criteria provided, single submitter. Criteria: Invitae Variant Classification Sherloc (09022015). Collection method: clinical testing. Allele origin: germline.
Comment: This variant is not present in population databases (gnomAD no frequency). This variant has not been reported in the literature in individuals affected with ATM-related conditions. ClinVar contains an entry for this variant (Variation ID: 524371). An algorithm developed to predict the effect of missense changes on protein structure and function (PolyPhen-2) suggests that this variant is likely to be tolerated. In summary, the available evidence is currently insufficient to determine the role of this variant in disease. Therefore, it has been classified as a Variant of Uncertain Significance. This sequence change replaces serine, which is neutral and polar, with alanine, which is neutral and non-polar, at codon 2812 of the ATM protein (p.Ser2812Ala).

NM_000051.4(ATM):c.8434T>G (p.Ser2812Ala)

Genes: ATM (ATM serine/threonine kinase; plus strand), C11orf65 (chromosome 11 open reading frame 65; minus strand). Cytogenetic location: 11q22.3.
Variant type: single nucleotide variant.
Coding change: c.8434T>G on transcript NM_000051.4 (MANE Select); coding-DNA position 8434, T replaced by G.
Protein change: p.Ser2812Ala; replaces serine 2812 with alanine.
Molecular consequence: missense variant. On other transcripts: intron variant (2).
Genome position (GRCh38, 1-based): chr11:108,345,758, T>G. VCF-style: chr11-108345758-T-G. GRCh37 (hg19) VCF-style: chr11-108216485-T-G.
Other names: c.8434T>G, p.Ser2812Ala (NM_001351834.2); c.641-36687A>C (NM_001330368.2); c.695-10466A>C (NM_001351110.2); short protein forms S2812A.
Identifiers: ClinVar variation 524371 (VCV000524371.10), dbSNP rs786202372, ClinGen allele CA382517783.